The following is an entry in ClinVar:

NM_024529.5(CDC73):c.1149C>G (p.Asp383Glu)

Gene: CDC73 (cell division cycle 73; plus strand). Cytogenetic location: 1q31.2.
Variant type: single nucleotide variant.
Coding change: c.1149C>G on transcript NM_024529.5 (MANE Select); coding-DNA position 1149, C replaced by G.
Protein change: p.Asp383Glu; replaces aspartic acid 383 with glutamic acid.
Molecular consequence: missense variant.
Genome position (GRCh38, 1-based): chr1:193,212,472, C>G. VCF-style: chr1-193212472-C-G. GRCh37 (hg19) VCF-style: chr1-193181602-C-G.
Other names: short protein forms D383E.
Identifiers: ClinVar variation 2760699 (VCV002760699.4), dbSNP rs587778167, ClinGen allele CA344077682.

ClinVar aggregate classification (germline): Uncertain significance. Review status: criteria provided, multiple submitters, no conflicts (2 of 4 stars). 2 submissions from 2 submitters: Uncertain significance (2). Last evaluated 2024-09-17.

Conditions:
Hereditary cancer-predisposing syndrome. Also called: Neoplastic Syndromes, Hereditary; Hereditary Cancer Syndrome; Hereditary neoplastic syndrome; Tumor predisposition. Identifiers: Orphanet 140162, MedGen C0027672, MeSH D009386, MONDO:0015356.
Parathyroid carcinoma (PRTC). Also called: Parathyroid gland carcinoma; CDC73-Related Parathyroid Carcinoma. Identifiers: Orphanet 143, MedGen C0687150, MONDO:0012004, OMIM 608266, HP:0006780.

Submissions (2):

Ambry Genetics
Classification: Uncertain significance for Hereditary cancer-predisposing syndrome. Last evaluated: 2024-09-17. Review status: criteria provided, single submitter. Criteria: Ambry Variant Classification Scheme 2023. Collection method: clinical testing. Allele origin: germline.
Comment: The p.D383E variant (also known as c.1149C>G), located in coding exon 13 of the CDC73 gene, results from a C to G substitution at nucleotide position 1149. The aspartic acid at codon 383 is replaced by glutamic acid, an amino acid with highly similar properties. This amino acid position is highly conserved in available vertebrate species. In addition, the in silico prediction for this alteration is inconclusive. Based on the available evidence, the clinical significance of this variant remains unclear.

Labcorp Genetics (formerly Invitae), Labcorp
Classification: Uncertain significance for Parathyroid carcinoma. Last evaluated: 2023-09-14. Review status: criteria provided, single submitter. Criteria: Invitae Variant Classification Sherloc (09022015). Collection method: clinical testing. Allele origin: germline.
Comment: In summary, the available evidence is currently insufficient to determine the role of this variant in disease. Therefore, it has been classified as a Variant of Uncertain Significance. Advanced modeling of protein sequence and biophysical properties (such as structural, functional, and spatial information, amino acid conservation, physicochemical variation, residue mobility, and thermodynamic stability) performed at Invitae indicates that this missense variant is not expected to disrupt CDC73 protein function. This variant has not been reported in the literature in individuals affected with CDC73-related conditions. This variant is not present in population databases (gnomAD no frequency). This sequence change replaces aspartic acid, which is acidic and polar, with glutamic acid, which is acidic and polar, at codon 383 of the CDC73 protein (p.Asp383Glu).